The following is an entry in ClinVar:

GRCh38/hg38 7q11.1-11.21(chr7:61006478-62410831)x3

Gene: TRH-GTG2-1 (tRNA-His (GTG) 2-1). Cytogenetic location: 7q11.1-11.21.
Variant type: copy number gain.
Change: copy number 3 (three copies instead of two) of chr7:61,006,478-62,410,831 (1.40 Mb, GRCh38 coordinates, 1-based), cytogenetic band 7q11.1-11.21.
Identifiers: ClinVar variation 146847 (VCV000146847.2).

ClinVar aggregate classification (germline): Benign/Likely benign (0 of 4 stars; one submission).

Submission:

ISCA site 4
Classification: Benign/Likely benign. Last evaluated: 2012-09-21. Review status: no assertion criteria provided. Collection method: clinical testing. Allele origin: unknown. Affected: yes. Observed: 2 variant alleles.
Comment: Likely benign (1), Benign (1)

Copy number variation identified through the course of routine clinical cytogenomic testing in postnatal populations, with clinical assertions as classified by the original submitter.